The following is an entry in ClinVar:

NM_006516.4(SLC2A1):c.516+6C>G

Gene: SLC2A1 (solute carrier family 2 member 1; minus strand). Cytogenetic location: 1p34.2.
Variant type: single nucleotide variant.
Coding change: c.516+6C>G on transcript NM_006516.4 (MANE Select); 6 bases into the intron after coding-DNA position 516, C replaced by G.
Molecular consequence: intron variant.
Genome position (GRCh38, 1-based): chr1:42,930,620, G>C on the plus strand (C>G on the coding strand, the complement: SLC2A1 is on the minus strand). VCF-style: chr1-42930620-G-C. GRCh37 (hg19) VCF-style: chr1-43396291-G-C.
Identifiers: ClinVar variation 1462748 (VCV001462748.6), dbSNP rs1231311484, ClinGen allele CA522496803.
Genomic context (GRCh38, chr1:42,930,620, plus strand): 5'-GATCCGAGAGCCACTGAAGCTGTGGGCAGGGGCCGTGCCAGGCAGGTAGATCCTGCCCCA[G>C]CTTACCTGGGCGATGAGGATGCCGACGACGATGCCCAGCTGGTGCAGGGTGCCCAGGGCC-3'

ClinVar aggregate classification (germline): Uncertain significance (1 of 4 stars; one submission).

Conditions:
GLUT1 deficiency syndrome 1, autosomal recessive. Identifiers: MedGen C3149117.

Allele frequency attached by ClinVar (database versions not stated): gnomAD exomes below 0.00001; TOPMed below 0.00001.

Submission:

Labcorp Genetics (formerly Invitae), Labcorp
Classification: Uncertain significance for GLUT1 deficiency syndrome 1, autosomal recessive. Last evaluated: 2021-06-16. Review status: criteria provided, single submitter. Criteria: Invitae Variant Classification Sherloc (09022015). Collection method: clinical testing. Allele origin: germline.
Comment: This variant is not present in population databases (ExAC no frequency). This variant has not been reported in the literature in individuals with SLC2A1-related conditions. Nucleotide substitutions within the consensus splice site are a relatively common cause of aberrant splicing (PMID: 17576681, 9536098). Algorithms developed to predict the effect of sequence changes on RNA splicing suggest that this variant may create or strengthen a splice site, but this prediction has not been confirmed by published transcriptional studies. In summary, the available evidence is currently insufficient to determine the role of this variant in disease. Therefore, it has been classified as a Variant of Uncertain Significance. This sequence change falls in intron 4 of the SLC2A1 gene. It does not directly change the encoded amino acid sequence of the SLC2A1 protein. It affects a nucleotide within the consensus splice site of the intron.

Literature cited by the submitters: PubMed 17576681; PubMed 9536098.